The following is an entry in ClinVar:

ClinVar aggregate classification (germline): Benign/Likely benign. Review status: criteria provided, multiple submitters, no conflicts (2 of 4 stars). 14 submissions from 13 submitters: Benign (7); Likely benign (2). 5 of the submissions do not count toward it. Last evaluated 2026-02-01.

Conditions:
SYNE1-related disorder. Also called: SYNE1-related disorders; SYNE1-related disease; SYNE1-related condition.
Emery-Dreifuss muscular dystrophy 4, autosomal dominant (EDMD4). Also called: EMERY-DREIFUSS MUSCULAR DYSTROPHY 4 WITH VARIABLE FEATURES. Identifiers: Orphanet 261, MedGen C2751807, MONDO:0013071, OMIM 612998.
Autosomal recessive ataxia, Beauce type. Also called: SYNE1 Deficiency; Spinocerebellar ataxia, autosomal recessive 8; ATAXIA, RECESSIVE, OF BEAUCE; SYNE1-Related Autosomal Recessive Cerebellar Ataxia. Identifiers: Orphanet 88644, MedGen C1853116, MONDO:0012549, OMIM 610743.

Allele frequency attached by ClinVar (database versions not stated): 1000 Genomes Project 0.00459; 1000 Genomes Project 30x 0.00484; gnomAD 0.01031 and 0.01086; TOPMed 0.01110; ESP Exome Variant Server 0.01230.
gnomAD v4.1: 22,226 of 1,614,024 alleles (1.4%); highest among the groups gnomAD compares: Non-Finnish European, 1.6%; 189 homozygotes.

Submissions (14):

Labcorp Genetics (formerly Invitae), Labcorp
Classification: Benign for Emery-Dreifuss muscular dystrophy 4, autosomal dominant; Autosomal recessive ataxia, Beauce type. Last evaluated: 2026-02-01. Review status: criteria provided, single submitter. Criteria: Invitae Variant Classification Sherloc (09022015). Collection method: clinical testing. Allele origin: germline.

Blueprint Genetics
Classification: Likely benign. Last evaluated: 2024-11-25. Review status: criteria provided, single submitter. Criteria: ACMG Guidelines, 2015. Collection method: clinical testing. Allele origin: germline.

CeGaT Center for Human Genetics Tuebingen
Classification: Benign. Last evaluated: 2024-07-01. Review status: criteria provided, single submitter. Criteria: CeGaT Center For Human Genetics Tuebingen Variant Classification Criteria Version 2. Collection method: clinical testing. Allele origin: germline. Affected: yes. Observed: 24 variant alleles.
Comment: SYNE1: BP4, BP7, BS1, BS2

Athena Diagnostics
Classification: Benign. Last evaluated: 2024-01-08. Review status: criteria provided, single submitter. Criteria: Athena Diagnostics Criteria. Collection method: clinical testing. Allele origin: unknown.

Illumina Laboratory Services, Illumina
Classification: Benign for Autosomal recessive ataxia, Beauce type. Last evaluated: 2018-01-13. Review status: criteria provided, single submitter. Criteria: ICSL Variant Classification Criteria 13 December 2019. Collection method: clinical testing. Allele origin: germline.
Comment: This variant was observed in the ICSL laboratory as part of a predisposition screen in an ostensibly healthy population. It had not been previously curated by ICSL or reported in the Human Gene Mutation Database (HGMD: prior to June 1st, 2018), and was therefore a candidate for classification through an automated scoring system. Utilizing variant allele frequency, disease prevalence and penetrance estimates, and inheritance mode, an automated score was calculated to assess if this variant is too frequent to cause the disease. Based on the score and internal cut-off values, a variant classified as benign is not then subjected to further curation. The score for this variant resulted in a classification of benign for this disease.

Illumina Laboratory Services, Illumina
Classification: Benign for Emery-Dreifuss muscular dystrophy 4, autosomal dominant. Last evaluated: 2018-01-13. Review status: criteria provided, single submitter. Criteria: ICSL Variant Classification Criteria 13 December 2019. Collection method: clinical testing. Allele origin: germline.
Comment: the same text as in the submission from Illumina Laboratory Services, Illumina above.

Mayo Clinic Laboratories, Mayo Clinic
Classification: Benign. Last evaluated: 2017-12-19. Review status: criteria provided, single submitter. Criteria: ACMG Guidelines, 2015. Collection method: clinical testing. Allele origin: germline. Observed: 26 variant alleles.

GeneDx
Classification: Benign. Last evaluated: 2016-01-13. Review status: criteria provided, single submitter. Criteria: GeneDx Variant Classification (06012015). Collection method: clinical testing. Allele origin: germline. Affected: yes.
Comment: This variant is considered likely benign or benign based on one or more of the following criteria: it is a conservative change, it occurs at a poorly conserved position in the protein, it is predicted to be benign by multiple in silico algorithms, and/or has population frequency not consistent with disease.

Breakthrough Genomics
Classification: Likely benign. Review status: criteria provided, single submitter. Criteria: ACMG Guidelines, 2015. Collection method: not provided. Allele origin: germline. Inheritance: Autosomal recessive inheritance. Affected: yes.

PreventionGenetics, part of Exact Sciences
Classification: Benign for SYNE1-related condition. Last evaluated: 2019-05-08. Review status: no assertion criteria provided. Collection method: clinical testing. Allele origin: germline. Not counted in ClinVar's aggregate classification.
Comment: This variant is classified as benign based on ACMG/AMP sequence variant interpretation guidelines (Richards et al. 2015 PMID: 25741868, with internal and published modifications).

Clinical Genetics DNA and cytogenetics Diagnostics Lab, Erasmus MC, Erasmus Medical Center
Classification: Benign. Review status: no assertion criteria provided. Collection method: clinical testing. Allele origin: germline. Affected: yes. Study: VKGL Data-share Consensus. Not counted in ClinVar's aggregate classification.

Diagnostic Laboratory, Department of Genetics, University Medical Center Groningen
Classification: Benign. Review status: no assertion criteria provided. Collection method: clinical testing. Allele origin: germline. Affected: yes. Study: VKGL Data-share Consensus. Not counted in ClinVar's aggregate classification.

Genetic Services Laboratory, University of Chicago
Classification: Likely benign for AllHighlyPenetrant. Review status: no assertion criteria provided. Collection method: clinical testing. Allele origin: germline. Inheritance: Autosomal dominant inheritance. Not counted in ClinVar's aggregate classification.
Comment: Likely benign based on allele frequency in 1000 Genomes Project or ESP global frequency and its presence in a patient with a rare or unrelated disease phenotype. NOT Sanger confirmed.

Joint Genome Diagnostic Labs from Nijmegen and Maastricht, Radboudumc and MUMC+
Classification: Benign. Review status: no assertion criteria provided. Collection method: clinical testing. Allele origin: germline. Affected: yes. Study: VKGL Data-share Consensus. Not counted in ClinVar's aggregate classification.

Literature cited by the submitters: PubMed 21572417 (cited by Athena Diagnostics); PubMed 27060904 (cited by Athena Diagnostics).

NM_182961.4(SYNE1):c.10522T>C (p.Leu3508=)

Gene: SYNE1 (spectrin repeat containing nuclear envelope protein 1; minus strand). Cytogenetic location: 6q25.2.
Variant type: single nucleotide variant.
Coding change: c.10522T>C on transcript NM_182961.4 (MANE Select); coding-DNA position 10522, T replaced by C.
Protein change: p.Leu3508=; no amino-acid change (leucine 3508 retained).
Molecular consequence: synonymous variant.
Genome position (GRCh38, 1-based): chr6:152,358,459, A>G on the plus strand (T>C on the coding strand, the complement: SYNE1 is on the minus strand). VCF-style: chr6-152358459-A-G. GRCh37 (hg19) VCF-style: chr6-152679594-A-G.
Other names: p.Leu3515=; c.10543T>C, p.Leu3515= (NM_033071.5).
Identifiers: ClinVar variation 130390 (VCV000130390.60), dbSNP rs62426382, ClinGen allele CA155322.